The following is an entry in ClinVar:

ClinVar aggregate classification (germline): Uncertain significance (1 of 4 stars; one submission).

Conditions:
Hereditary cancer-predisposing syndrome. Also called: Neoplastic Syndromes, Hereditary; Tumor predisposition; Hereditary Cancer Syndrome; Hereditary neoplastic syndrome. Identifiers: Orphanet 140162, MedGen C0027672, MeSH D009386, MONDO:0015356.

Submission:

Ambry Genetics
Classification: Uncertain significance for Hereditary cancer-predisposing syndrome. Last evaluated: 2024-10-11. Review status: criteria provided, single submitter. Criteria: Ambry Variant Classification Scheme 2023. Collection method: clinical testing. Allele origin: germline.
Comment: The p.E251G variant (also known as c.752A>G), located in coding exon 7 of the FANCC gene, results from an A to G substitution at nucleotide position 752. The glutamic acid at codon 251 is replaced by glycine, an amino acid with similar properties. This amino acid position is conserved. In addition, this alteration is predicted to be deleterious by in silico analysis. Since supporting evidence is limited at this time, the clinical significance of this alteration remains unclear.

NM_000136.3(FANCC):c.752A>G (p.Glu251Gly)

Genes: AOPEP (aminopeptidase O (putative); plus strand), FANCC (FA complementation group C; minus strand). Cytogenetic location: 9q22.32.
Variant type: single nucleotide variant.
Coding change: c.752A>G on transcript NM_000136.3 (MANE Select); coding-DNA position 752, A replaced by G.
Protein change: p.Glu251Gly; replaces glutamic acid 251 with glycine.
Molecular consequence: missense variant.
Genome position (GRCh38, 1-based): chr9:95,135,437, T>C on the plus strand (A>G on the coding strand, the complement: FANCC is on the minus strand). VCF-style: chr9-95135437-T-C. GRCh37 (hg19) VCF-style: chr9-97897719-T-C.
Other names: c.752A>G, p.Glu251Gly (NM_001243743.2, NM_001243744.2); short protein forms E251G.
Identifiers: ClinVar variation 1759360 (VCV001759360.3), dbSNP rs2541401665, ClinGen allele CA374109365.